The following is an entry in ClinVar:

NM_000213.5(ITGB4):c.232G>A (p.Val78Met)

Gene: ITGB4 (integrin subunit beta 4; plus strand). Cytogenetic location: 17q25.1.
Variant type: single nucleotide variant.
Coding change: c.232G>A on transcript NM_000213.5 (MANE Select); coding-DNA position 232, G replaced by A.
Protein change: p.Val78Met; replaces valine 78 with methionine.
Molecular consequence: missense variant.
Genome position (GRCh38, 1-based): chr17:75,727,473, G>A. VCF-style: chr17-75727473-G-A. GRCh37 (hg19) VCF-style: chr17-73723554-G-A.
Other names: c.232G>A, p.Val78Met (NM_001005619.2, NM_001005731.3, NM_001321123.2); short protein forms V78M.
Identifiers: ClinVar variation 2168660 (VCV002168660.3), dbSNP rs557836108, ClinGen allele CA294058272.

ClinVar aggregate classification (germline): Conflicting classifications of pathogenicity. Review status: criteria provided, conflicting classifications (1 of 4 stars). 3 submissions from 3 submitters: Uncertain significance (2); Likely benign (1). Last evaluated 2024-05-24.

Conditions:
Epidermolysis bullosa, junctional 5A, intermediate. Also called: EPIDERMOLYSIS BULLOSA, JUNCTIONAL 5A, GENERALIZED INTERMEDIATE; EPIDERMOLYSIS BULLOSA, JUNCTIONAL 5A, NON-HERLITZ TYPE. Identifiers: MedGen C5676956, MONDO:0030768, OMIM 619816.
Junctional epidermolysis bullosa with pyloric atresia. Also called: Junctional Epidermolysis Bullosa- Pyloric Atresia Syndrome; APLASIA CUTIS CONGENITA WITH GASTROINTESTINAL ATRESIA; CARMI SYNDROME; ITGB4-Related Epidermolysis Bullosa with Pyloric Atresia; ITGA6-Related Epidermolysis Bullosa with Pyloric Atresia; EB-PA-ACC. Identifiers: Orphanet 79403, MedGen C5676875, MONDO:0009183, OMIM 226730.
Inborn genetic diseases. Identifiers: MedGen C0950123, MeSH D030342.

Allele frequency attached by ClinVar (database versions not stated): gnomAD 0.00003; gnomAD exomes 0.00003; 1000 Genomes Project 30x 0.00016; 1000 Genomes Project 0.00020.
gnomAD v4.1: 55 of 1,613,964 alleles (0.0034%); highest among the groups gnomAD compares: Admixed American, 0.005%; no homozygotes.

Submissions (3):

Ambry Genetics
Classification: Likely benign for Inborn genetic diseases. Last evaluated: 2024-05-24. Review status: criteria provided, single submitter. Criteria: Ambry Variant Classification Scheme 2023. Collection method: clinical testing. Allele origin: germline.

Fulgent Genetics
Classification: Uncertain significance for Junctional epidermolysis bullosa with pyloric atresia; Epidermolysis bullosa, junctional 5A, intermediate. Last evaluated: 2024-05-09. Review status: criteria provided, single submitter. Criteria: ACMG Guidelines, 2015. Collection method: clinical testing. Allele origin: germline.

Labcorp Genetics (formerly Invitae), Labcorp
Classification: Uncertain significance. Last evaluated: 2022-02-17. Review status: criteria provided, single submitter. Criteria: Invitae Variant Classification Sherloc (09022015). Collection method: clinical testing. Allele origin: germline.
Comment: This sequence change replaces valine, which is neutral and non-polar, with methionine, which is neutral and non-polar, at codon 78 of the ITGB4 protein (p.Val78Met). This variant is present in population databases (rs557836108, gnomAD 0.006%). This variant has not been reported in the literature in individuals affected with ITGB4-related conditions. Algorithms developed to predict the effect of missense changes on protein structure and function output the following: SIFT: "Not Available"; PolyPhen-2: "Benign"; Align-GVGD: "Not Available". The methionine amino acid residue is found in multiple mammalian species, which suggests that this missense change does not adversely affect protein function. Algorithms developed to predict the effect of sequence changes on RNA splicing suggest that this variant is not likely to affect RNA splicing. In summary, the available evidence is currently insufficient to determine the role of this variant in disease. Therefore, it has been classified as a Variant of Uncertain Significance.